The following is an entry in ClinVar:

ClinVar aggregate classification (germline): Conflicting classifications of pathogenicity. Review status: criteria provided, conflicting classifications (1 of 4 stars). 3 submissions from 3 submitters: Uncertain significance (2); Likely benign (1). Last evaluated 2026-10-02.

Conditions:
CDH23-related disorder. Also called: CDH23-related disorders; CDH23-related condition.

Allele frequency attached by ClinVar (database versions not stated): 1000 Genomes Project 30x 0.00031; gnomAD 0.00006 and 0.00007; gnomAD exomes 0.00007; 1000 Genomes Project 0.00020; ExAC 0.00004; TOPMed 0.00008.
gnomAD v4.1: 30 of 1,613,968 alleles (0.0019%); highest among the groups gnomAD compares: East Asian, 0.038%; no homozygotes.

Submissions (3):

GeneDx
Classification: Uncertain significance. Last evaluated: 2026-10-02. Review status: criteria provided, single submitter. Criteria: GeneDx Variant Classification Process June 2021. Collection method: clinical testing. Allele origin: germline.
Comment: Observed with a variant on the same allele (in cis) and with a variant on the opposite allele (in trans) in an individual with sensorineural hearing loss in published literature (PMID: 33095980) and proposed to be likely benign, however, it is not known which of the CDH23 variants were contributing to the individual's hearing loss; Reported heterozygous in an individual with keratoconus (PMID: 42162727); however, additional clinical information was not provided; In silico analysis suggests that this missense variant does not alter protein structure/function; This variant is associated with the following publications: (PMID: 42162727, 33095980)

PreventionGenetics, part of Exact Sciences
Classification: Uncertain significance for CDH23-related condition. Last evaluated: 2026-06-29. Review status: criteria provided, single submitter. Criteria: ACMG Guidelines, 2015. Collection method: clinical testing. Allele origin: germline.
Comment: The CDH23 c.9058C>T variant is predicted to result in the amino acid substitution p.Arg3020Cys. This variant was previously reported in a patient with hearing loss; however, the patient already carried two potentially causative variants in the same gene, and the c.9058C>T variant was considered by the authors to be likely benign (Xiang et al. 2020. PubMed ID: 33095980). This variant is reported in 0.082% of alleles in individuals of East Asian descent in gnomAD. At this time, the clinical significance of this variant is uncertain due to the absence of conclusive functional and genetic evidence.

Labcorp Genetics (formerly Invitae), Labcorp
Classification: Likely benign. Last evaluated: 2026-01-25. Review status: criteria provided, single submitter. Criteria: Invitae Variant Classification Sherloc (09022015). Collection method: clinical testing. Allele origin: germline.

NM_022124.6(CDH23):c.9058C>T (p.Arg3020Cys)

Gene: CDH23 (cadherin related 23; plus strand). Cytogenetic location: 10q22.1.
Variant type: single nucleotide variant.
Coding change: c.9058C>T on transcript NM_022124.6 (MANE Select); coding-DNA position 9058, C replaced by T.
Protein change: p.Arg3020Cys; replaces arginine 3020 with cysteine.
Molecular consequence: missense variant.
Genome position (GRCh38, 1-based): chr10:71,810,550, C>T. VCF-style: chr10-71810550-C-T. GRCh37 (hg19) VCF-style: chr10-73570307-C-T.
Other names: c.2338C>T, p.Arg780Cys (NM_001171933.1, NM_001171934.1); short protein forms R3020C, R780C.
Identifiers: ClinVar variation 1300562 (VCV001300562.8), dbSNP rs181658753, ClinGen allele CA5546848.
Genomic context (GRCh38, chr10:71,810,550, plus strand): 5'-GGCCGGGTGAACTTTGCGCAGACAGAACTGCTTATCCACGTGGTGAACCGCGATACCAAC[C>T]GCATCCTGGACGTGGACCGGTGAGTCGGGGCCTGTGTTTGGACTGTCAGCCTGTCTGTCT-3'
Protein context (NP_071407.4, residues 3010-3030): LIHVVNRDTN[Arg3020Cys]ILDVDRVIQM